The following is an entry in ClinVar:

NM_000352.6(ABCC8):c.2169T>C (p.Leu723=)

Gene: ABCC8 (ATP binding cassette subfamily C member 8; minus strand). Cytogenetic location: 11p15.1.
Variant type: single nucleotide variant.
Coding change: c.2169T>C on transcript NM_000352.6 (MANE Select); coding-DNA position 2169, T replaced by C.
Protein change: p.Leu723=; no amino-acid change (leucine 723 retained).
Molecular consequence: synonymous variant. On other transcripts: non-coding transcript variant (1).
Genome position (GRCh38, 1-based): chr11:17,427,102, A>G on the plus strand (T>C on the coding strand, the complement: ABCC8 is on the minus strand). VCF-style: chr11-17427102-A-G. GRCh37 (hg19) VCF-style: chr11-17448649-A-G.
Other names: c.2169T>C, p.Leu723= (NM_001287174.3); c.2235T>C, p.Leu745= (NM_001351295.2); c.2166T>C, p.Leu722= (NM_001351296.2, NM_001351297.2).
Identifiers: ClinVar variation 792256 (VCV000792256.10), dbSNP rs1591794603, ClinGen allele CA473302444.

ClinVar aggregate classification (germline): Conflicting classifications of pathogenicity. Review status: criteria provided, conflicting classifications (1 of 4 stars). 4 submissions from 3 submitters: Uncertain significance (2); Likely benign (2). Last evaluated 2025-09-16.

Conditions:
Transitory neonatal diabetes mellitus. Also called: Transient neonatal diabetes mellitus. Identifiers: MedGen C0342273, MONDO:0020525, HP:0008255.
Maturity-onset diabetes of the young (MODY). Also called: Maturity onset diabetes mellitus in young. Identifiers: Orphanet 552, MedGen C0342276, MONDO:0018911, HP:0004904.

Allele frequency attached by ClinVar (database versions not stated): gnomAD 0.00001; gnomAD exomes 0.00001.
gnomAD v4.1: 14 of 1,613,762 alleles (0.00087%); highest among the groups gnomAD compares: Non-Finnish European, 0.0011%; no homozygotes.

Submissions (4):

Labcorp Genetics (formerly Invitae), Labcorp
Classification: Likely benign. Last evaluated: 2025-09-16. Review status: criteria provided, single submitter. Criteria: Invitae Variant Classification Sherloc (09022015). Collection method: clinical testing. Allele origin: germline.

Blueprint Genetics
Classification: Likely benign. Last evaluated: 2020-05-20. Review status: criteria provided, single submitter. Criteria: ACMG Guidelines, 2015. Collection method: clinical testing. Allele origin: germline.

Clinical Genomics, Uppaluri K&H Personalized Medicine Clinic
Classification: Uncertain significance for Maturity-onset diabetes of the young. Review status: criteria provided, single submitter. Criteria: K & H Uppaluri Personalized Medicine Clinic Variant Classification & Assertion Criteria_Updated V.1. Collection method: research. Allele origin: unknown. Inheritance: Somatic mutation.
Comment: Mutations in ABCC8 gene are associated with both neonatal diabetes mellitus as well as MODY. Patients with this mutation may have a better response to sulfonylureas. However, no sufficient evidence is found to ascertain the role of this particular variant (rs1591794603) in MODY yet.

Clinical Genomics, Uppaluri K&H Personalized Medicine Clinic
Classification: Uncertain significance for Transitory neonatal diabetes mellitus. Review status: criteria provided, single submitter. Criteria: K & H Uppaluri Personalized Medicine Clinic Variant Classification & Assertion Criteria_Updated V.1. Collection method: research. Allele origin: unknown. Inheritance: Somatic mutation.
Comment: Mutations in ABCC8 gene are associated with both neonatal diabetes mellitus as well as MODY. Patients with this mutation may have a better response to sulfonylureas. However, no sufficient evidence is found to ascertain the role of this particular variant (rs1591794603) in neonatal diabetes yet.

Literature cited by the submitters: PubMed 16885549 (cited by Clinical Genomics, Uppaluri K&H Personalized Medicine Clinic); PubMed 21989597 (cited by Clinical Genomics, Uppaluri K&H Personalized Medicine Clinic); PubMed 27538677 (cited by Clinical Genomics, Uppaluri K&H Personalized Medicine Clinic); PubMed 18981553 (cited by Clinical Genomics, Uppaluri K&H Personalized Medicine Clinic); PubMed 32027066 (cited by Clinical Genomics, Uppaluri K&H Personalized Medicine Clinic); PubMed 16613899 (cited by Clinical Genomics, Uppaluri K&H Personalized Medicine Clinic); PubMed 18025408 (cited by Clinical Genomics, Uppaluri K&H Personalized Medicine Clinic); PubMed 32792356 (cited by Clinical Genomics, Uppaluri K&H Personalized Medicine Clinic).